The following is an entry in ClinVar:

ClinVar aggregate classification (germline): Benign (1 of 4 stars; one submission).

Submission:

GeneDx
Classification: Benign. Last evaluated: 2018-02-19. Review status: criteria provided, single submitter. Criteria: GeneDx Variant Classification (06012015). Collection method: clinical testing. Allele origin: germline. Affected: yes.
Comment: This variant is considered likely benign or benign based on one or more of the following criteria: it is a conservative change, it occurs at a poorly conserved position in the protein, it is predicted to be benign by multiple in silico algorithms, and/or has population frequency not consistent with disease.

NM_001079802.2(FKTN):c.-90del

Gene: FKTN (fukutin; plus strand). Cytogenetic location: 9q31.2.
Variant type: Deletion.
Coding change: c.-90del on transcript NM_001079802.2 (MANE Select); 90 bases upstream of the start codon, one base deleted (A; older notation c.-90delA).
Molecular consequence: 5 prime UTR variant. On other transcripts: non-coding transcript variant (1), intron variant (3).
Genome position (GRCh38, 1-based): chr9:105,573,745, A deleted; the last of 3 consecutive A bases (chr9:105,573,743-105,573,745); deleting any one gives the same sequence. VCF-style (leftmost placement, unchanged base first): chr9-105573742-CA-C. GRCh37 (hg19) VCF-style: chr9-108336023-CA-C.
Other names: c.-90del (NM_001198963.2); c.-225del (NM_001351496.2); c.-392del (NM_001351497.2); c.-739del (NM_001351499.2); c.-604del (NM_001351500.2); c.-685del (NM_001351502.2); c.-88-1200del (NM_006731.2, NM_001351498.2); c.-602-1200del (NM_001351501.2); and 2 more.
Identifiers: ClinVar variation 162563 (VCV000162563.6), dbSNP rs727502845, ClinGen allele CA295347.